The following is an entry in ClinVar:

NM_001211.6(BUB1B):c.439A>T (p.Ile147Phe)

Gene: BUB1B (BUB1 mitotic checkpoint serine/threonine kinase B; plus strand). Cytogenetic location: 15q15.1.
Variant type: single nucleotide variant.
Coding change: c.439A>T on transcript NM_001211.6 (MANE Select); coding-DNA position 439, A replaced by T.
Protein change: p.Ile147Phe; replaces isoleucine 147 with phenylalanine.
Molecular consequence: missense variant.
Genome position (GRCh38, 1-based): chr15:40,176,531, A>T. VCF-style: chr15-40176531-A-T. GRCh37 (hg19) VCF-style: chr15-40468732-A-T.
Other names: short protein forms I147F.
Identifiers: ClinVar variation 1740271 (VCV001740271.2), dbSNP rs2542524032, ClinGen allele CA391681163.

ClinVar aggregate classification (germline): Uncertain significance (1 of 4 stars; one submission).

Conditions:
Inborn genetic diseases. Identifiers: MedGen C0950123, MeSH D030342.

Submission:

Ambry Genetics
Classification: Uncertain significance for Inborn genetic diseases. Last evaluated: 2022-05-20. Review status: criteria provided, single submitter. Criteria: Ambry Variant Classification Scheme 2023. Collection method: clinical testing. Allele origin: germline.
Comment: The p.I147F variant (also known as c.439A>T), located in coding exon 5 of the BUB1B gene, results from an A to T substitution at nucleotide position 439. The isoleucine at codon 147 is replaced by phenylalanine, an amino acid with highly similar properties. This amino acid position is conserved. In addition, this alteration is predicted to be deleterious by in silico analysis. Since supporting evidence is limited at this time, the clinical significance of this alteration remains unclear.